The following is an entry in ClinVar:

NM_014159.7(SETD2):c.2618C>G (p.Pro873Arg)

Gene: SETD2 (SET domain containing 2, histone lysine methyltransferase; minus strand). Cytogenetic location: 3p21.31.
Variant type: single nucleotide variant.
Coding change: c.2618C>G on transcript NM_014159.7 (MANE Select); coding-DNA position 2618, C replaced by G.
Protein change: p.Pro873Arg; replaces proline 873 with arginine.
Molecular consequence: missense variant. On other transcripts: non-coding transcript variant (1).
Genome position (GRCh38, 1-based): chr3:47,122,018, G>C on the plus strand (C>G on the coding strand, the complement: SETD2 is on the minus strand). VCF-style: chr3-47122018-G-C. GRCh37 (hg19) VCF-style: chr3-47163508-G-C.
Other names: c.2486C>G, p.Pro829Arg (NM_001349370.3); short protein forms P829R, P873R.
Identifiers: ClinVar variation 4536475 (VCV004536475.1).
Genomic context (GRCh38, chr3:47,122,018, plus strand): 5'-TCCACCTTTATTCCTGGTGGAAGACTCTGAAGAGATGAAGCAATACCTGAACTCCCAATA[G>C]GTTGATATAAATCATCAAAATGATTAACAGAAGCTGAACTAGTGCTACCGATGCTCTGCT-3'
Protein context (NP_054878.5, residues 863-883): SVNHFDDLYQ[Pro873Arg]IGSSGIASSL

ClinVar aggregate classification (germline): Uncertain significance (1 of 4 stars; one submission).

Submission:

GeneDx
Classification: Uncertain significance. Last evaluated: 2025-06-06. Review status: criteria provided, single submitter. Criteria: GeneDx Variant Classification Process June 2021. Collection method: clinical testing. Allele origin: germline. Affected: yes.
Comment: Not observed at significant frequency in large population cohorts (gnomAD); In silico analysis supports that this missense variant has a deleterious effect on protein structure/function; Has not been previously published as pathogenic or benign to our knowledge